The following is an entry in ClinVar:

ClinVar aggregate classification (germline): Uncertain significance. Review status: criteria provided, multiple submitters, no conflicts (2 of 4 stars). 2 submissions from 2 submitters: Uncertain significance (2). Last evaluated 2026-07-07.

Conditions:
Hereditary cancer-predisposing syndrome. Also called: Hereditary Cancer Syndrome; Neoplastic Syndromes, Hereditary; Hereditary neoplastic syndrome; Tumor predisposition. Identifiers: Orphanet 140162, MedGen C0027672, MeSH D009386, MONDO:0015356.
EGFR-related lung cancer (EGFR). Identifiers: MedGen CN130014.

Allele frequency attached by ClinVar (database versions not stated): gnomAD exomes below 0.00001; ExAC 0.00001.
gnomAD v4.1: 1 of 1,612,918 alleles (0.000062%); highest among the groups gnomAD compares: Admixed American, 0.0017%; no homozygotes.

Submissions (2):

Ambry Genetics
Classification: Uncertain significance for Hereditary cancer-predisposing syndrome. Last evaluated: 2026-07-07. Review status: criteria provided, single submitter. Criteria: Ambry Variant Classification Scheme 2023. Collection method: clinical testing. Allele origin: germline.
Comment: The p.P1101R variant (also known as c.3302C>G), located in coding exon 28 of the EGFR gene, results from a C to G substitution at nucleotide position 3302. The proline at codon 1101 is replaced by arginine, an amino acid with dissimilar properties. This amino acid position is conserved. In addition, the in silico prediction for this alteration is inconclusive. Based on the available evidence, the clinical significance of this variant remains unclear.

Labcorp Genetics (formerly Invitae), Labcorp
Classification: Uncertain significance for EGFR-related lung cancer. Last evaluated: 2022-02-25. Review status: criteria provided, single submitter. Criteria: Invitae Variant Classification Sherloc (09022015). Collection method: clinical testing. Allele origin: germline.
Comment: In summary, the available evidence is currently insufficient to determine the role of this variant in disease. Therefore, it has been classified as a Variant of Uncertain Significance. Algorithms developed to predict the effect of missense changes on protein structure and function (SIFT, PolyPhen-2, Align-GVGD) all suggest that this variant is likely to be tolerated. This variant has not been reported in the literature in individuals affected with EGFR-related conditions. This variant is present in population databases (rs764332519, gnomAD 0.003%). This sequence change replaces proline, which is neutral and non-polar, with arginine, which is basic and polar, at codon 1101 of the EGFR protein (p.Pro1101Arg).

NM_005228.5(EGFR):c.3302C>G (p.Pro1101Arg)

Gene: EGFR (epidermal growth factor receptor; plus strand). Cytogenetic location: 7p11.2.
Variant type: single nucleotide variant.
Coding change: c.3302C>G on transcript NM_005228.5 (MANE Select); coding-DNA position 3302, C replaced by G.
Protein change: p.Pro1101Arg; replaces proline 1101 with arginine.
Molecular consequence: missense variant.
Genome position (GRCh38, 1-based): chr7:55,205,286, C>G. VCF-style: chr7-55205286-C-G. GRCh37 (hg19) VCF-style: chr7-55272979-C-G.
Other names: c.3167C>G, p.Pro1056Arg (NM_001346899.2); c.3143C>G, p.Pro1048Arg (NM_001346900.2); c.2501C>G, p.Pro834Arg (NM_001346941.2); c.3302C>G (NM_005228.3); short protein forms P1056R, P1101R, P1048R, P834R.
Identifiers: ClinVar variation 1355252 (VCV001355252.9), dbSNP rs764332519, ClinGen allele CA4266373.
Genomic context (GRCh38, chr7:55,205,286, plus strand): 5'-ACTTCACCTCTGATTTCTTTCCACTTTCAGAATACATAAACCAGTCCGTTCCCAAAAGGC[C>G]CGCTGGCTCTGTGCAGAATCCTGTCTATCACAATCAGCCTCTGAACCCCGCGCCCAGCAG-3'
Protein context (NP_005219.2, residues 1091-1111): EYINQSVPKR[Pro1101Arg]AGSVQNPVYH